The following is an entry in ClinVar:

ClinVar aggregate classification (germline): Likely pathogenic (1 of 4 stars; one submission).

Conditions:
Hypogonadotropic hypogonadism 1 with or without anosmia (HH1). Also called: Kallmann syndrome, type 1, X-linked; HYPOGONADOTROPIC HYPOGONADISM 1 WITH ANOSMIA; Hypogonadotropic hypogonadism 1 with or without anosmia (Kallmann syndrome 1); HYPOGONADOTROPIC HYPOGONADISM AND ANOSMIA; DYSPLASIA OLFACTOGENITALIS OF DE MORSIER; KAL1-Related GnRH Deficiency (Kallmann Syndrome 1; Kallmann Syndrome, X-Linked). Identifiers: Orphanet 478, MedGen C1563719, MONDO:0010635, OMIM 308700. Disease mechanism: loss of function.

Submission:

Labcorp Genetics (formerly Invitae), Labcorp
Classification: Likely pathogenic for Hypogonadotropic hypogonadism 1 with or without anosmia. Last evaluated: 2023-08-11. Review status: criteria provided, single submitter. Criteria: Invitae Variant Classification Sherloc (09022015). Collection method: clinical testing. Allele origin: germline.
Comment: This variant results in a copy number gain of the genomic region encompassing exon(s) 4-9 of the ANOS1 gene. While the exact position of this variant cannot be determined from the data, sub-genic copy number gains are generally in tandem (PMID: 25640679). This variant is predicted to be out-of-frame, and may result in an absent or disrupted protein product. Loss-of-function variants in ANOS1 are known to be pathogenic (PMID: 8504298, 11297579). A similar copy number variant has been observed in individual(s) with clinical features of Kallmann syndrome (Invitae). In summary, the currently available evidence indicates that the variant is pathogenic, but additional data are needed to prove that conclusively. Therefore, this variant has been classified as Likely Pathogenic.

Literature cited by the submitters: PubMed 25640679; PubMed 8504298; PubMed 11297579.

NC_000023.11:g.(?_8553932)_(8597276_?)dup

Gene: ANOS1 (anosmin 1; minus strand). Cytogenetic location: Xp22.31.
Variant type: Duplication.
Identifiers: ClinVar variation 831268 (VCV000831268.8).